The following is an entry in ClinVar:

NM_000038.6(APC):c.6803C>T (p.Thr2268Ile)

Gene: APC (APC regulator of Wnt signaling pathway; plus strand). Cytogenetic location: 5q22.2.
Variant type: single nucleotide variant.
Coding change: c.6803C>T on transcript NM_000038.6 (MANE Select); coding-DNA position 6803, C replaced by T.
Protein change: p.Thr2268Ile; replaces threonine 2268 with isoleucine.
Molecular consequence: missense variant.
Genome position (GRCh38, 1-based): chr5:112,842,397, C>T. VCF-style: chr5-112842397-C-T. GRCh37 (hg19) VCF-style: chr5-112178094-C-T.
Other names: c.6803C>T, p.Thr2268Ile (NM_001127510.3, NM_001354895.2); c.6749C>T, p.Thr2250Ile (NM_001127511.3); c.6857C>T, p.Thr2286Ile (NM_001354896.2); c.6833C>T, p.Thr2278Ile (NM_001354897.2); c.6728C>T, p.Thr2243Ile (NM_001354898.2); c.6719C>T, p.Thr2240Ile (NM_001354899.2); c.6680C>T, p.Thr2227Ile (NM_001354900.2); c.6626C>T, p.Thr2209Ile (NM_001354901.2); and 5 more; short protein forms T2108I, T2278I, T2286I, T1985I, T2227I, T2240I, T2142I, T2167I.
Identifiers: ClinVar variation 970231 (VCV000970231.13), dbSNP rs1766307028, ClinGen allele CA16036190.
Genomic context (GRCh38, chr5:112,842,397, plus strand): 5'-AAAAAGGCCCACCCCTTAAGACTCCAGCCTCCAAAAGCCCTAGTGAAGGTCAAACAGCCA[C>T]CACTTCTCCTAGAGGAGCCAAGCCATCTGTGAAATCAGAATTAAGCCCTGTTGCCAGGCA-3'
Protein context (NP_000029.2, residues 2258-2278): SKSPSEGQTA[Thr2268Ile]TSPRGAKPSV

ClinVar aggregate classification (germline): Uncertain significance. Review status: criteria provided, multiple submitters, no conflicts (2 of 4 stars). 3 submissions from 3 submitters: Uncertain significance (3). Last evaluated 2024-04-02.

Conditions:
Classic or attenuated familial adenomatous polyposis. Identifiers: MedGen CN372698, MONDO:0021057.
Hereditary cancer-predisposing syndrome. Also called: Neoplastic Syndromes, Hereditary; Hereditary Cancer Syndrome; Tumor predisposition; Hereditary neoplastic syndrome. Identifiers: Orphanet 140162, MedGen C0027672, MeSH D009386, MONDO:0015356.
Familial adenomatous polyposis 1 (FAP1). Also called: FAMILIAL ADENOMATOUS POLYPOSIS 1, ATTENUATED; POLYPOSIS, ADENOMATOUS INTESTINAL. Identifiers: MedGen C2713442, MONDO:0021056, OMIM 175100. Disease mechanism: loss of function.

Allele frequency attached by ClinVar (database versions not stated): gnomAD exomes below 0.00001.
gnomAD v4.1: 1 of 1,614,068 alleles (0.000062%); highest among the groups gnomAD compares: South Asian, 0.0011%; no homozygotes.

Submissions (3):

Ambry Genetics
Classification: Uncertain significance for Hereditary cancer-predisposing syndrome. Last evaluated: 2024-04-02. Review status: criteria provided, single submitter. Criteria: Ambry Variant Classification Scheme 2023. Collection method: clinical testing. Allele origin: germline.
Comment: The p.T2268I variant (also known as c.6803C>T), located in coding exon 15 of the APC gene, results from a C to T substitution at nucleotide position 6803. The threonine at codon 2268 is replaced by isoleucine, an amino acid with similar properties. This amino acid position is not well conserved in available vertebrate species. In addition, in silico predictors for this gene do not accurately predict pathogenicity. Based on the available evidence, the clinical significance of this alteration remains unclear.

All of Us Research Program, National Institutes of Health
Classification: Uncertain significance for Classic or attenuated familial adenomatous polyposis. Last evaluated: 2024-01-11. Review status: criteria provided, single submitter. Criteria: ACMG Guidelines, 2015. Collection method: clinical testing. Allele origin: germline. Inheritance: Autosomal dominant inheritance. Observed: 1 variant allele, 1 heterozygote.
Comment: This study involves interpretation of variants in research participants for the purpose of population health screening. Participant phenotype was not available at the time of variant classification. Additional details can be found in publication PMID: 35346344, PMCID: PMC8962531

Labcorp Genetics (formerly Invitae), Labcorp
Classification: Uncertain significance for Familial adenomatous polyposis 1. Last evaluated: 2022-06-13. Review status: criteria provided, single submitter. Criteria: Invitae Variant Classification Sherloc (09022015). Collection method: clinical testing. Allele origin: germline.
Comment: In summary, the available evidence is currently insufficient to determine the role of this variant in disease. Therefore, it has been classified as a Variant of Uncertain Significance. Algorithms developed to predict the effect of missense changes on protein structure and function are either unavailable or do not agree on the potential impact of this missense change (SIFT: "Deleterious"; PolyPhen-2: "Possibly Damaging"; Align-GVGD: "Class C0"). ClinVar contains an entry for this variant (Variation ID: 970231). This variant has not been reported in the literature in individuals affected with APC-related conditions. This variant is not present in population databases (gnomAD no frequency). This sequence change replaces threonine, which is neutral and polar, with isoleucine, which is neutral and non-polar, at codon 2268 of the APC protein (p.Thr2268Ile).